The following is an entry in ClinVar:

ClinVar aggregate classification (germline): Conflicting classifications of pathogenicity. Review status: criteria provided, conflicting classifications (1 of 4 stars). 3 submissions from 2 submitters: Pathogenic (1); Uncertain significance (1). 1 of the submissions does not count toward it. Last evaluated 2023-09-18.

Conditions:
Specific granule deficiency 2 (SGD2). Identifiers: MedGen C4479548, MONDO:0044208, OMIM 617475.

Allele frequency attached by ClinVar (database versions not stated): TOPMed below 0.00001.
gnomAD v4.1: 2 of 1,613,968 alleles (0.00012%); highest among the groups gnomAD compares: Non-Finnish European, 0.00017%; no homozygotes.

Submissions (3):

Blueprint Genetics
Classification: Uncertain significance. Last evaluated: 2023-09-18. Review status: criteria provided, single submitter. Criteria: ACMG Guidelines, 2015. Collection method: clinical testing. Allele origin: germline.

Genomic Medicine Center of Excellence, King Faisal Specialist Hospital and Research Centre
Classification: Pathogenic for Specific granule deficiency 2. Last evaluated: 2023-05-08. Review status: criteria provided, single submitter. Criteria: ACMG Guidelines, 2015. Collection method: research. Allele origin: germline. Affected: yes.

Genomic Medicine Center of Excellence, King Faisal Specialist Hospital and Research Centre
Classification: Pathogenic for Specific granule deficiency 2. Last evaluated: 2021-04-29. Review status: flagged submission. Collection method: research. Allele origin: germline. Affected: yes. Not counted in ClinVar's aggregate classification.
ClinVar note: Reason: This record appears to be redundant with a more recent record from the same submitter.
ClinVar note: Notes: SCV001870523 appears to be redundant with SCV003924278.

NM_001098426.2(SMARCD2):c.1429C>T (p.Arg477Ter)

Gene: SMARCD2 (SWI/SNF related BAF chromatin remodeling complex subunit D2; minus strand). Cytogenetic location: 17q23.3.
Variant type: single nucleotide variant.
Coding change: c.1429C>T on transcript NM_001098426.2 (MANE Select); coding-DNA position 1429, C replaced by T.
Protein change: p.Arg477Ter; replaces arginine 477 with a stop codon.
Molecular consequence: nonsense.
Genome position (GRCh38, 1-based): chr17:63,833,309, G>A on the plus strand (C>T on the coding strand, the complement: SMARCD2 is on the minus strand). VCF-style: chr17-63833309-G-A. GRCh37 (hg19) VCF-style: chr17-61910669-G-A.
Other names: c.1204C>T, p.Arg402Ter (NM_001330439.1); c.1285C>T, p.Arg429Ter (NM_001330440.2); short protein forms R402*, R429*, R477*.
Identifiers: ClinVar variation 1252086 (VCV001252086.3), dbSNP rs1567760022, ClinGen allele CA400598048.